The following is an entry in ClinVar:

NM_001283009.2(RTEL1):c.3565C>T (p.Pro1189Ser)

Genes: RTEL1 (regulator of telomere elongation helicase 1; plus strand), RTEL1-TNFRSF6B (RTEL1-TNFRSF6B readthrough (NMD candidate); plus strand). Cytogenetic location: 20q13.33.
Variant type: single nucleotide variant.
Coding change: c.3565C>T on transcript NM_001283009.2 (MANE Select); coding-DNA position 3565, C replaced by T.
Protein change: p.Pro1189Ser; replaces proline 1189 with serine.
Molecular consequence: missense variant. On other transcripts: non-coding transcript variant (1).
Genome position (GRCh38, 1-based): chr20:63,695,393, C>T. VCF-style: chr20-63695393-C-T. GRCh37 (hg19) VCF-style: chr20-62326746-C-T.
Other names: c.2896C>T, p.Pro966Ser (NM_001283010.1); c.3565C>T, p.Pro1189Ser (NM_016434.4); c.3637C>T, p.Pro1213Ser (NM_032957.5); short protein forms P1189S, P1213S, P966S.
Identifiers: ClinVar variation 2942724 (VCV002942724.3), dbSNP rs2517203172, ClinGen allele CA409686270.
Genomic context (GRCh38, chr20:63,695,393, plus strand): 5'-TCACGGTCCGAGAAGACCGGGAAGACCCAGAGCAAGATCTCGTCCTTCCTTAGACAGAGG[C>T]CAGCAGGGACTGTGGGGGCGGGCGGTGAGGATGCAGGTCCCAGCCAGTCCTCAGGACCTC-3'
Protein context (NP_001269938.1, residues 1179-1199): SKISSFLRQR[Pro1189Ser]AGTVGAGGED

ClinVar aggregate classification (germline): Uncertain significance (1 of 4 stars; one submission).

Conditions:
Pulmonary fibrosis and/or bone marrow failure, Telomere-related, 3. Also called: PULMONARY FIBROSIS AND/OR BONE MARROW FAILURE SYNDROME, TELOMERE-RELATED, 3. Identifiers: Orphanet 2032, MedGen C4225346, MONDO:0014613, OMIM 616373.
Dyskeratosis congenita, autosomal recessive 5 (DKCB5). Identifiers: MedGen C3554656, MONDO:0014076, OMIM 615190.

Submission:

Labcorp Genetics (formerly Invitae), Labcorp
Classification: Uncertain significance for Dyskeratosis congenita, autosomal recessive 5; Pulmonary fibrosis and/or bone marrow failure, Telomere-related, 3. Last evaluated: 2023-04-29. Review status: criteria provided, single submitter. Criteria: Invitae Variant Classification Sherloc (09022015). Collection method: clinical testing. Allele origin: germline.
Comment: In summary, the available evidence is currently insufficient to determine the role of this variant in disease. Therefore, it has been classified as a Variant of Uncertain Significance. Algorithms developed to predict the effect of sequence changes on RNA splicing suggest that this variant may create or strengthen a splice site. An algorithm developed to predict the effect of missense changes on protein structure and function (PolyPhen-2) suggests that this variant is likely to be tolerated. This variant has not been reported in the literature in individuals affected with RTEL1-related conditions. This variant is not present in population databases (gnomAD no frequency). This sequence change replaces proline, which is neutral and non-polar, with serine, which is neutral and polar, at codon 1189 of the RTEL1 protein (p.Pro1189Ser).